The following is an entry in ClinVar:

ClinVar aggregate classification (germline): Uncertain significance (1 of 4 stars; one submission).

Conditions:
Transketolase deficiency. Also called: Short stature, developmental delay, and congenital heart defects. Identifiers: Orphanet 488618, MedGen C5700245, MONDO:0014881, OMIM 617044.

gnomAD v4.1: 10 of 1,610,734 alleles (0.00062%); highest among the groups gnomAD compares: African/African-American, 0.0027%; no homozygotes.

Submission:

3billion
Classification: Uncertain significance for Transketolase deficiency. Last evaluated: 2024-11-14. Review status: criteria provided, single submitter. Criteria: ACMG Guidelines, 2015. Collection method: clinical testing. Allele origin: germline. Affected: yes.
Comment: The variant is observed at an extremely low frequency in the gnomAD v4.1.0 dataset (total allele frequency: <0.001%). Predicted Consequence/Location: Missense variant Damaging effect on gene or gene product predicted by in silico programs is uncertain [REVEL: 0.56 (damaging >=0.6, benign <0.4), 3Cnet: 0.41 (damaging >=0.6, benign <0.15)]. Therefore, this variant is classified as VUS according to the recommendation of ACMG/AMP guideline.

NM_001064.4(TKT):c.628G>T (p.Gly210Cys)

Gene: TKT (transketolase; minus strand). Cytogenetic location: 3p21.1.
Variant type: single nucleotide variant.
Coding change: c.628G>T on transcript NM_001064.4 (MANE Select); coding-DNA position 628, G replaced by T.
Protein change: p.Gly210Cys; replaces glycine 210 with cysteine.
Molecular consequence: missense variant. On other transcripts: non-coding transcript variant (1).
Genome position (GRCh38, 1-based): chr3:53,234,984, C>A on the plus strand (G>T on the coding strand, the complement: TKT is on the minus strand). VCF-style: chr3-53234984-C-A. GRCh37 (hg19) VCF-style: chr3-53269000-C-A.
Other names: c.628G>T, p.Gly210Cys (NM_001135055.3); c.652G>T, p.Gly218Cys (NM_001258028.2); short protein forms G210C, G218C.
Identifiers: ClinVar variation 4291787 (VCV004291787.1).
Genomic context (GRCh38, chr3:53,234,984, plus strand): 5'-GTGATCACAGACCACTCTCCCGTGCTGTGACCACACTCAGGCCACAGCCTCGTACATACC[C>A]GAAGGCCTCGCACCGCTTCTGGTAGATGTCCATCTGGTGCTGCAGTGGGGCCGGGTCACT-3'
Protein context (NP_001055.1, residues 200-220): DIYQKRCEAF[Gly210Cys]WHAIIVDGHS